The following is an entry in ClinVar:

NM_000554.6(CRX):c.638C>T (p.Ser213Phe)

Gene: CRX (cone-rod homeobox; plus strand). Cytogenetic location: 19q13.33.
Variant type: single nucleotide variant.
Coding change: c.638C>T on transcript NM_000554.6 (MANE Select); coding-DNA position 638, C replaced by T.
Protein change: p.Ser213Phe; replaces serine 213 with phenylalanine.
Molecular consequence: missense variant.
Genome position (GRCh38, 1-based): chr19:47,839,705, C>T. VCF-style: chr19-47839705-C-T. GRCh37 (hg19) VCF-style: chr19-48342962-C-T.
Other names: short protein forms S213F.
Identifiers: ClinVar variation 3753521 (VCV003753521.2).

ClinVar aggregate classification (germline): Uncertain significance (1 of 4 stars; one submission).

Conditions:
Cone-rod dystrophy 2 (CORD2). Also called: CONE-ROD RETINAL DYSTROPHY; Cone-rod retinal dystrophy 2. Identifiers: Orphanet 1872, MedGen C3489532, MONDO:0007362, OMIM 120970.
Leber congenital amaurosis 7 (LCA7). Identifiers: Orphanet 65, MedGen C3151192, MONDO:0013449, OMIM 613829.

gnomAD v4.1: 2 of 1,613,994 alleles (0.00012%); highest among the groups gnomAD compares: South Asian, 0.0011%; no homozygotes.

Submission:

Labcorp Genetics (formerly Invitae), Labcorp
Classification: Uncertain significance for Cone-rod dystrophy 2; Leber congenital amaurosis 7. Last evaluated: 2024-01-31. Review status: criteria provided, single submitter. Criteria: Invitae Variant Classification Sherloc (09022015). Collection method: clinical testing. Allele origin: germline.
Comment: This sequence change replaces serine, which is neutral and polar, with phenylalanine, which is neutral and non-polar, at codon 213 of the CRX protein (p.Ser213Phe). This variant is present in population databases (rs779129827, gnomAD 0.003%). This variant has not been reported in the literature in individuals affected with CRX-related conditions. Advanced modeling of protein sequence and biophysical properties (such as structural, functional, and spatial information, amino acid conservation, physicochemical variation, residue mobility, and thermodynamic stability) performed at Invitae indicates that this missense variant is not expected to disrupt CRX protein function with a negative predictive value of 80%. In summary, the available evidence is currently insufficient to determine the role of this variant in disease. Therefore, it has been classified as a Variant of Uncertain Significance.